The following is an entry in ClinVar:

NM_183357.3(ADCY5):c.2176G>A (p.Ala726Thr)

Gene: ADCY5 (adenylate cyclase 5; minus strand). Cytogenetic location: 3q21.1.
Variant type: single nucleotide variant.
Coding change: c.2176G>A on transcript NM_183357.3 (MANE Select); coding-DNA position 2176, G replaced by A.
Protein change: p.Ala726Thr; replaces alanine 726 with threonine.
Molecular consequence: missense variant.
Genome position (GRCh38, 1-based): chr3:123,319,754, C>T on the plus strand (G>A on the coding strand, the complement: ADCY5 is on the minus strand). VCF-style: chr3-123319754-C-T. GRCh37 (hg19) VCF-style: chr3-123038601-C-T.
Other names: c.1126G>A, p.Ala376Thr (NM_001199642.1); c.2176G>A, p.Ala726Thr (NM_001378259.1); short protein forms A726T, A376T.
Identifiers: ClinVar variation 162091 (VCV000162091.51), dbSNP rs796065306, ClinGen allele CA342901.
Genomic context (GRCh38, chr3:123,319,754, plus strand): 5'-CCCTGAAGGTCAGGAGGAACTTGCGGACGTGCTCAGACCGAAGCCTATCAATGCTCCTGG[C>T]GTCAATGGCACGGCCCAGAAACTCATCCACTTCATCCTCAGGGTTCGCACTCTCCTGGGC-3'
Protein context (NP_899200.1, residues 716-736): VDEFLGRAID[Ala726Thr]RSIDRLRSEH

ClinVar aggregate classification (germline): Pathogenic. Review status: criteria provided, multiple submitters, no conflicts (2 of 4 stars). 9 submissions from 9 submitters: Pathogenic (5). 4 of the submissions do not count toward it. Last evaluated 2025-03-17.

Conditions:
Dyskinesia with orofacial involvement, autosomal dominant (DSKOD). Also called: Dyskinesia, familial, with facial myokymia; Familial dyskinesia and facial myokymia; Familial Dyskinesia with Facial Myokymia (FDFM). Identifiers: Orphanet 324588, MedGen C1847627, MONDO:0800028, OMIM 606703.

Submissions (9):

Labcorp Genetics (formerly Invitae), Labcorp
Classification: Pathogenic. Last evaluated: 2025-03-17. Review status: criteria provided, single submitter. Criteria: Invitae Variant Classification Sherloc (09022015). Collection method: clinical testing. Allele origin: germline.
Comment: This sequence change replaces alanine, which is neutral and non-polar, with threonine, which is neutral and polar, at codon 726 of the ADCY5 protein (p.Ala726Thr). This variant is not present in population databases (gnomAD no frequency). This missense change has been observed in individuals with autosomal dominant ADCY5-related conditions (PMID: 22782511, 32627162). It has also been observed to segregate with disease in related individuals. This variant is also known as c.1126G>A, p.A376T. ClinVar contains an entry for this variant (Variation ID: 162091). Invitae Evidence Modeling of protein sequence and biophysical properties (such as structural, functional, and spatial information, amino acid conservation, physicochemical variation, residue mobility, and thermodynamic stability) has been performed for this missense variant. However, the output from this modeling did not meet the statistical confidence thresholds required to predict the impact of this variant on ADCY5 protein function. Experimental studies have shown that this missense change affects ADCY5 function (PMID: 30772269). For these reasons, this variant has been classified as Pathogenic.

GeneDx
Classification: Pathogenic. Last evaluated: 2023-03-22. Review status: criteria provided, single submitter. Criteria: GeneDx Variant Classification Process June 2021. Collection method: clinical testing. Allele origin: germline. Affected: yes.
Comment: Published functional studies demonstrate a damaging effect; specifically, mutant constructs stimulated with a beta-receptor agonist showed in a significant increase in cAMP levels compared to wild-type cells, suggesting a gain-of-function effect (Chen et al., 2014); Not observed at significant frequency in large population cohorts (gnomAD); In silico analysis supports that this missense variant has a deleterious effect on protein structure/function; This variant is associated with the following publications: (PMID: 30772269, 22782511, 32627162, 24700542)

Laboratorio de Genetica e Diagnostico Molecular, Hospital Israelita Albert Einstein
Classification: Pathogenic for Dyskinesia with orofacial involvement, autosomal dominant. Last evaluated: 2022-12-22. Review status: criteria provided, single submitter. Criteria: ACMG Guidelines, 2015. Collection method: clinical testing. Allele origin: germline. Affected: yes. Observed: 1 variant allele.
Comment: ACMG classification criteria: PS3 supporting, PS4 supporting, PM2 moderated, PP1 strong, PP2 supporting, PP3 supporting

CeGaT Center for Human Genetics Tuebingen
Classification: Pathogenic. Last evaluated: 2021-09-01. Review status: criteria provided, single submitter. Criteria: CeGaT Center For Human Genetics Tuebingen Variant Classification Criteria Version 2. Collection method: clinical testing. Allele origin: germline. Affected: yes. Observed: 1 variant allele.

Revvity Omics, Revvity
Classification: Pathogenic. Last evaluated: 2020-03-23. Review status: criteria provided, single submitter. Criteria: ACMG Guidelines, 2015. Collection method: clinical testing. Allele origin: germline.

OMIM
Classification: Pathogenic for DYSKINESIA WITH OROFACIAL INVOLVEMENT, AUTOSOMAL DOMINANT. Last evaluated: 2015-12-08. Review status: no assertion criteria provided. Collection method: literature only. Allele origin: germline. Not counted in ClinVar's aggregate classification.

Diagnostic Laboratory, Department of Genetics, University Medical Center Groningen
Classification: Pathogenic. Review status: no assertion criteria provided. Collection method: clinical testing. Allele origin: germline. Affected: yes. Study: VKGL Data-share Consensus. Not counted in ClinVar's aggregate classification.

GeneReviews
No classification provided. Condition: Dyskinesia with orofacial involvement, autosomal dominant. Review status: no classification provided. Collection method: literature only. Allele origin: germline. Affected: yes. Not counted in ClinVar's aggregate classification.

Joint Genome Diagnostic Labs from Nijmegen and Maastricht, Radboudumc and MUMC+
Classification: Likely pathogenic. Review status: no assertion criteria provided. Collection method: clinical testing. Allele origin: germline. Affected: yes. Study: VKGL Data-share Consensus. Not counted in ClinVar's aggregate classification.

Literature cited by the submitters: PubMed 22782511 (cited by Labcorp Genetics (formerly Invitae), Labcorp and OMIM); PubMed 32627162 (cited by Labcorp Genetics (formerly Invitae), Labcorp); PubMed 30772269 (cited by Labcorp Genetics (formerly Invitae), Labcorp); PubMed 152174 (cited by OMIM); PubMed 11310626 (cited by OMIM and GeneReviews); PubMed 16537460 (cited by OMIM); PubMed 24700542 (cited by OMIM and GeneReviews); PubMed 1003446 (cited by OMIM); PubMed 11445636 (cited by OMIM); PubMed 26537056 (cited by OMIM); NCBI Bookshelf NBK263441 (cited by GeneReviews).